The following is an entry in ClinVar:

NM_005476.7(GNE):c.1565C>T (p.Ala522Val)

Gene: GNE (glucosamine (UDP-N-acetyl)-2-epimerase/N-acetylmannosamine kinase; minus strand). Cytogenetic location: 9p13.3.
Variant type: single nucleotide variant.
Coding change: c.1565C>T on transcript NM_005476.7 (MANE Select); coding-DNA position 1565, C replaced by T.
Protein change: p.Ala522Val; replaces alanine 522 with valine.
Molecular consequence: missense variant. On other transcripts: intron variant (1).
Genome position (GRCh38, 1-based): chr9:36,222,845, G>A on the plus strand (C>T on the coding strand, the complement: GNE is on the minus strand). VCF-style: chr9-36222845-G-A. GRCh37 (hg19) VCF-style: chr9-36222842-G-A.
Other names: c.1658C>T, p.Ala553Val (NM_001128227.3); c.1235C>T, p.Ala412Val (NM_001190384.3); c.1388C>T, p.Ala463Val (NM_001190388.2, NM_001374798.1); c.1412C>T, p.Ala471Val (NM_001374797.1); c.1411+528C>T (NM_001190383.3); short protein forms A553V, A522V, A412V, A463V, A471V.
Identifiers: ClinVar variation 575458 (VCV000575458.6), dbSNP rs1563930123, ClinGen allele CA373426296.

ClinVar aggregate classification (germline): Uncertain significance (1 of 4 stars; one submission).

Conditions:
Sialuria. Also called: SIALURIA, FRENCH TYPE; Sialic Acid Storage Disease. Identifiers: Orphanet 3166, MedGen C0342853, MONDO:0010028, OMIM 269921.
GNE myopathy (NM). Also called: MYOPATHY, DISTAL, WITH OR WITHOUT RIMMED VACUOLES; NONAKA DISTAL MYOPATHY; INCLUSION BODY MYOPATHY, HEREDITARY, AUTOSOMAL RECESSIVE; INCLUSION BODY MYOPATHY 2, AUTOSOMAL RECESSIVE; IBM 2; Inclusion body myopathy autosomal recessive. Identifiers: Orphanet 602, MedGen C1853926, MONDO:0011603, OMIM 605820.

Allele frequency attached by ClinVar (database versions not stated): TOPMed below 0.00001.

Submission:

Labcorp Genetics (formerly Invitae), Labcorp
Classification: Uncertain significance for Sialuria; GNE myopathy. Last evaluated: 2021-08-13. Review status: criteria provided, single submitter. Criteria: Invitae Variant Classification Sherloc (09022015). Collection method: clinical testing. Allele origin: germline.
Comment: This sequence change replaces alanine with valine at codon 553 of the GNE protein (p.Ala553Val). The alanine residue is highly conserved and there is a small physicochemical difference between alanine and valine. This variant is not present in population databases (ExAC no frequency). This missense change has been observed in individual(s) with clinical features of GNE-related conditions (Invitae). ClinVar contains an entry for this variant (Variation ID: 575458). Algorithms developed to predict the effect of missense changes on protein structure and function (SIFT, PolyPhen-2, Align-GVGD) all suggest that this variant is likely to be disruptive. In summary, the available evidence is currently insufficient to determine the role of this variant in disease. Therefore, it has been classified as a Variant of Uncertain Significance.